The following is an entry in ClinVar:

ClinVar aggregate classification (germline): Uncertain significance (1 of 4 stars; one submission).

Submission:

Labcorp Genetics (formerly Invitae), Labcorp
Classification: Uncertain significance. Last evaluated: 2025-04-17. Review status: criteria provided, single submitter. Criteria: Invitae Variant Classification Sherloc (09022015). Collection method: clinical testing. Allele origin: germline.
Comment: This sequence change replaces glycine, which is neutral and non-polar, with isoleucine, which is neutral and non-polar, at codon 63 of the SAMD9L protein (p.Gly63Ile). Information on the frequency of this variant in the gnomAD database is not available, as this variant may be reported differently in the database. This variant has not been reported in the literature in individuals affected with SAMD9L-related conditions. An algorithm developed to predict the effect of missense changes on protein structure and function (PolyPhen-2) suggests that this variant is likely to be disruptive. In summary, the available evidence is currently insufficient to determine the role of this variant in disease. Therefore, it has been classified as a Variant of Uncertain Significance.

NM_152703.5(SAMD9L):c.187_188delinsAT (p.Gly63Ile)

Gene: SAMD9L (sterile alpha motif domain containing 9 like; minus strand). Cytogenetic location: 7q21.2.
Variant type: Indel.
Coding change: c.187_188delinsAT on transcript NM_152703.5 (MANE Select); coding-DNA positions 187 to 188, GG replaced by AT.
Protein change: p.Gly63Ile; replaces glycine 63 with isoleucine.
Molecular consequence: missense variant.
Genome position (GRCh38, 1-based): chr7:93,135,784-93,135,785, CC replaced by AT on the plus strand (GG replaced by AT on the coding strand, the reverse complement: SAMD9L is on the minus strand). VCF-style: chr7-93135784-CC-AT. GRCh37 (hg19) VCF-style: chr7-92765097-CC-AT.
Other names: c.187_188delinsAT, p.Gly63Ile (NM_001303496.3, NM_001303497.3, NM_001303498.3 and 5 more transcripts); short protein forms G63I.
Identifiers: ClinVar variation 4716982 (VCV004716982.1).